The following is an entry in ClinVar:

ClinVar aggregate classification (germline): Benign (1 of 4 stars; one submission).

Allele frequency attached by ClinVar (database versions not stated): gnomAD 0.51862 and 0.51914; TOPMed 0.51867; 1000 Genomes Project 0.53315; 1000 Genomes Project 30x 0.53373.
gnomAD v4.1: 78,735 of 152,020 alleles (52%); highest among the groups gnomAD compares: African/African-American, 61%; 20,827 homozygotes.

Submission:

GeneDx
Classification: Benign. Last evaluated: 2018-06-14. Review status: criteria provided, single submitter. Criteria: GeneDx Variant Classification (06012015). Collection method: clinical testing. Allele origin: germline. Affected: yes.
Comment: This variant is considered likely benign or benign based on one or more of the following criteria: it is a conservative change, it occurs at a poorly conserved position in the protein, it is predicted to be benign by multiple in silico algorithms, and/or has population frequency not consistent with disease.

NM_005005.3(NDUFB9):c.294+265C>T

Gene: NDUFB9 (NADH:ubiquinone oxidoreductase subunit B9; plus strand). Cytogenetic location: 8q24.13.
Variant type: single nucleotide variant.
Coding change: c.294+265C>T on transcript NM_005005.3 (MANE Select); 265 bases into the intron after coding-DNA position 294, C replaced by T.
Molecular consequence: intron variant.
Genome position (GRCh38, 1-based): chr8:124,543,544, C>T. VCF-style: chr8-124543544-C-T. GRCh37 (hg19) VCF-style: chr8-125555785-C-T.
Other names: c.165+265C>T (NM_001278646.2); c.261+265C>T (NM_001311168.2); c.126+265C>T (NM_001278645.2).
Identifiers: ClinVar variation 682751 (VCV000682751.1), dbSNP rs11991829, ClinGen allele CA12820734.